The following is an entry in ClinVar:

NM_001035.3(RYR2):c.7783G>A (p.Asp2595Asn)

Gene: RYR2 (ryanodine receptor 2; plus strand). Cytogenetic location: 1q43.
Variant type: single nucleotide variant.
Coding change: c.7783G>A on transcript NM_001035.3 (MANE Select); coding-DNA position 7783, G replaced by A.
Protein change: p.Asp2595Asn; replaces aspartic acid 2595 with asparagine.
Molecular consequence: missense variant.
Genome position (GRCh38, 1-based): chr1:237,651,460, G>A. VCF-style: chr1-237651460-G-A. GRCh37 (hg19) VCF-style: chr1-237814760-G-A.
Other names: short protein forms D2595N.
Identifiers: ClinVar variation 1957420 (VCV001957420.5), dbSNP rs2547049777, ClinGen allele CA345399658.

ClinVar aggregate classification (germline): Uncertain significance (1 of 4 stars; one submission).

Conditions:
Catecholaminergic polymorphic ventricular tachycardia 1. Also called: VENTRICULAR TACHYCARDIA, CATECHOLAMINERGIC POLYMORPHIC, 1, WITH OR WITHOUT ATRIAL DYSFUNCTION AND/OR DILATED CARDIOMYOPATHY; VENTRICULAR TACHYCARDIA, STRESS-INDUCED POLYMORPHIC 1; RYR2-Related Catecholaminergic Polymorphic Ventricular Tachycardia. Identifiers: Orphanet 3286, MedGen C1631597, MONDO:0011484, OMIM 604772.

Submission:

Labcorp Genetics (formerly Invitae), Labcorp
Classification: Uncertain significance for Catecholaminergic polymorphic ventricular tachycardia 1. Last evaluated: 2022-05-01. Review status: criteria provided, single submitter. Criteria: Invitae Variant Classification Sherloc (09022015). Collection method: clinical testing. Allele origin: germline.
Comment: In summary, the available evidence is currently insufficient to determine the role of this variant in disease. Therefore, it has been classified as a Variant of Uncertain Significance. Algorithms developed to predict the effect of sequence changes on RNA splicing suggest that this variant may disrupt the consensus splice site. Advanced modeling of protein sequence and biophysical properties (such as structural, functional, and spatial information, amino acid conservation, physicochemical variation, residue mobility, and thermodynamic stability) performed at Invitae indicates that this missense variant is expected to disrupt RYR2 protein function. This variant has not been reported in the literature in individuals affected with RYR2-related conditions. This variant is not present in population databases (gnomAD no frequency). This sequence change replaces aspartic acid, which is acidic and polar, with asparagine, which is neutral and polar, at codon 2595 of the RYR2 protein (p.Asp2595Asn).